The following is an entry in ClinVar:

NM_021628.3(ALOXE3):c.1981G>T (p.Glu661Ter)

Gene: ALOXE3 (arachidonate epidermal lipoxygenase 3; minus strand). Cytogenetic location: 17p13.1.
Variant type: single nucleotide variant.
Coding change: c.1981G>T on transcript NM_021628.3 (MANE Select); coding-DNA position 1981, G replaced by T.
Protein change: p.Glu661Ter; replaces glutamic acid 661 with a stop codon.
Molecular consequence: nonsense.
Genome position (GRCh38, 1-based): chr17:8,096,782, C>A on the plus strand (G>T on the coding strand, the complement: ALOXE3 is on the minus strand). VCF-style: chr17-8096782-C-A. GRCh37 (hg19) VCF-style: chr17-8000100-C-A.
Other names: c.2377G>T, p.Glu793Ter (NM_001165960.1); c.1978G>T, p.Glu660Ter (NM_001369446.1); short protein forms E660*, E661*, E793*.
Identifiers: ClinVar variation 3385312 (VCV003385312.1).

ClinVar aggregate classification (germline): Likely pathogenic (1 of 4 stars; one submission).

Conditions:
Lamellar ichthyosis. Identifiers: Orphanet 313, MedGen C5848247, MONDO:0017778.

gnomAD v4.1: 6 of 1,614,174 alleles (0.00037%); highest among the groups gnomAD compares: Non-Finnish European, 0.00042%; no homozygotes.

Submission:

Women's Health and Genetics/Laboratory Corporation of America, LabCorp
Classification: Likely pathogenic for Lamellar ichthyosis. Last evaluated: 2024-10-14. Review status: criteria provided, single submitter. Criteria: LabCorp Variant Classification Summary - May 2015. Collection method: clinical testing. Allele origin: germline.
Comment: Variant summary: ALOXE3 c.1981G>T (p.Glu661X) results in a premature termination codon, predicted to cause a truncation of the encoded protein or absence of the protein due to nonsense mediated decay, which are commonly known mechanisms for disease. The variant was absent in 251442 control chromosomes. c.1981G>T has been reported in the literature in two compound heterozygous individuals in a family affected with Lamellar Ichthyosis (Simpson_2020). These data indicate that the variant may be associated with disease. To our knowledge, no experimental evidence demonstrating an impact on protein function has been reported. The following publications have been ascertained in the context of this evaluation (PMID: 31168818). No submitters have cited clinical-significance assessments for this variant to ClinVar. Based on the evidence outlined above, the variant was classified as likely pathogenic.

Literature cited by the submitters: PubMed 31168818.